The following is an entry in ClinVar:

ClinVar aggregate classification (germline): Uncertain significance. Review status: criteria provided, multiple submitters, no conflicts (2 of 4 stars). 2 submissions from 2 submitters: Uncertain significance (2). Last evaluated 2026-08-29.

Conditions:
Cardiovascular phenotype. Identifiers: MedGen CN230736.
Capillary malformation-arteriovenous malformation syndrome. Also called: Capillary malformation-arteriovenous malformation. Identifiers: Orphanet 137667, MedGen C1842180, MONDO:0012016.

gnomAD v4.1: 1 of 1,614,234 alleles (0.000062%); highest among the groups gnomAD compares: Non-Finnish European, 0.000085%; no homozygotes.

Submissions (2):

Ambry Genetics
Classification: Uncertain significance for Cardiovascular phenotype. Last evaluated: 2026-08-29. Review status: criteria provided, single submitter. Criteria: Ambry Variant Classification Scheme 2023. Collection method: clinical testing. Allele origin: germline.
Comment: The p.I171V variant (also known as c.511A>G), located in coding exon 1 of the RASA1 gene, results from an A to G substitution at nucleotide position 511. The isoleucine at codon 171 is replaced by valine, an amino acid with highly similar properties. This amino acid position is conserved. In addition, this alteration is predicted to be tolerated by in silico analysis. Based on the available evidence, the clinical significance of this variant remains unclear.

Labcorp Genetics (formerly Invitae), Labcorp
Classification: Uncertain significance for Capillary malformation-arteriovenous malformation syndrome. Last evaluated: 2024-02-17. Review status: criteria provided, single submitter. Criteria: Invitae Variant Classification Sherloc (09022015). Collection method: clinical testing. Allele origin: germline.
Comment: This sequence change replaces isoleucine, which is neutral and non-polar, with valine, which is neutral and non-polar, at codon 171 of the RASA1 protein (p.Ile171Val). This variant is not present in population databases (gnomAD no frequency). This variant has not been reported in the literature in individuals affected with RASA1-related conditions. An algorithm developed to predict the effect of missense changes on protein structure and function (PolyPhen-2) suggests that this variant is likely to be tolerated. In summary, the available evidence is currently insufficient to determine the role of this variant in disease. Therefore, it has been classified as a Variant of Uncertain Significance.

NM_002890.3(RASA1):c.511A>G (p.Ile171Val)

Gene: RASA1 (RAS p21 protein activator 1; plus strand). Cytogenetic location: 5q14.3.
Variant type: single nucleotide variant.
Coding change: c.511A>G on transcript NM_002890.3 (MANE Select); coding-DNA position 511, A replaced by G.
Protein change: p.Ile171Val; replaces isoleucine 171 with valine.
Molecular consequence: missense variant. On other transcripts: 5 prime UTR variant (1).
Genome position (GRCh38, 1-based): chr5:87,268,962, A>G. VCF-style: chr5-87268962-A-G. GRCh37 (hg19) VCF-style: chr5-86564779-A-G.
Other names: c.-86A>G (NM_022650.3); short protein forms I171V.
Identifiers: ClinVar variation 3715776 (VCV003715776.3).